The following is an entry in ClinVar:

NM_001112741.2(KCNC1):c.1681G>A (p.Gly561Arg)

Gene: KCNC1 (potassium voltage-gated channel subfamily C member 1; plus strand). Cytogenetic location: 11p15.1.
Variant type: single nucleotide variant.
Coding change: c.1681G>A on transcript NM_001112741.2 (MANE Select); coding-DNA position 1681, G replaced by A.
Protein change: p.Gly561Arg; replaces glycine 561 with arginine.
Molecular consequence: missense variant.
Genome position (GRCh38, 1-based): chr11:17,779,632, G>A. VCF-style: chr11-17779632-G-A. GRCh37 (hg19) VCF-style: chr11-17801179-G-A.
Other names: short protein forms G561R.
Identifiers: ClinVar variation 663798 (VCV000663798.13), dbSNP rs1417612823, ClinGen allele CA379814645.

ClinVar aggregate classification (germline): Uncertain significance. Review status: criteria provided, multiple submitters, no conflicts (2 of 4 stars). 2 submissions from 2 submitters: Uncertain significance (2). Last evaluated 2025-01-08.

Conditions:
Progressive myoclonic epilepsy type 7. Identifiers: Orphanet 435438, MedGen C4015420, MONDO:0014521, OMIM 616187.

Allele frequency attached by ClinVar (database versions not stated): gnomAD exomes 0.00001 and 0.00002.
gnomAD v4.1: 3 of 1,547,508 alleles (0.00019%); highest among the groups gnomAD compares: Admixed American, 0.006%; no homozygotes.

Submissions (2):

Women's Health and Genetics/Laboratory Corporation of America, LabCorp
Classification: Uncertain significance. Last evaluated: 2025-01-08. Review status: criteria provided, single submitter. Criteria: LabCorp Variant Classification Summary - May 2015. Collection method: clinical testing. Allele origin: germline.
Comment: Variant summary: KCNC1 c.1681G>A (p.Gly561Arg) results in a non-conservative amino acid change in the encoded protein sequence. Three of four in-silico tools predict a damaging effect of the variant on protein function. The variant allele was found at a frequency of 2e-05 in 149634 control chromosomes. The available data on variant occurrences in the general population are insufficient to allow any conclusion about variant significance. To our knowledge, no occurrence of c.1681G>A in individuals affected with Epilepsy, Progressive Myoclonic 7 and no experimental evidence demonstrating its impact on protein function have been reported. ClinVar contains an entry for this variant (Variation ID: 663798). Based on the evidence outlined above, the variant was classified as uncertain significance.

Labcorp Genetics (formerly Invitae), Labcorp
Classification: Uncertain significance for Progressive myoclonic epilepsy type 7. Last evaluated: 2024-05-16. Review status: criteria provided, single submitter. Criteria: Invitae Variant Classification Sherloc (09022015). Collection method: clinical testing. Allele origin: germline.
Comment: This sequence change replaces glycine, which is neutral and non-polar, with arginine, which is basic and polar, at codon 561 of the KCNC1 protein (p.Gly561Arg). This variant is present in population databases (no rsID available, gnomAD 0.01%). This variant has not been reported in the literature in individuals affected with KCNC1-related conditions. ClinVar contains an entry for this variant (Variation ID: 663798). Advanced modeling of protein sequence and biophysical properties (such as structural, functional, and spatial information, amino acid conservation, physicochemical variation, residue mobility, and thermodynamic stability) performed at Invitae indicates that this missense variant is not expected to disrupt KCNC1 protein function with a negative predictive value of 95%. In summary, the available evidence is currently insufficient to determine the role of this variant in disease. Therefore, it has been classified as a Variant of Uncertain Significance.